The following is an entry in ClinVar:

ClinVar aggregate classification (germline): Uncertain significance (1 of 4 stars; one submission).

Allele frequency attached by ClinVar (database versions not stated): gnomAD exomes below 0.00001 and 0.00001; TOPMed 0.00002.
gnomAD v4.1: 4 of 1,211,119 alleles (0.00033%); highest among the groups gnomAD compares: African/African-American, 0.0035%; no homozygotes.

Submission:

GeneDx
Classification: Uncertain significance. Last evaluated: 2022-02-16. Review status: criteria provided, single submitter. Criteria: GeneDx Variant Classification Process June 2021. Collection method: clinical testing. Allele origin: germline. Affected: yes.
Comment: In silico analysis supports that this missense variant has a deleterious effect on protein structure/function; Has not been previously published as pathogenic or benign to our knowledge

NM_000216.4(ANOS1):c.494C>T (p.Ser165Leu)

Gene: ANOS1 (anosmin 1; minus strand). Cytogenetic location: Xp22.31.
Variant type: single nucleotide variant.
Coding change: c.494C>T on transcript NM_000216.4 (MANE Select); coding-DNA position 494, C replaced by T.
Protein change: p.Ser165Leu; replaces serine 165 with leucine.
Molecular consequence: missense variant.
Genome position (GRCh38, 1-based): chrX:8,597,081, G>A on the plus strand (C>T on the coding strand, the complement: ANOS1 is on the minus strand). VCF-style: chrX-8597081-G-A. GRCh37 (hg19) VCF-style: chrX-8565122-G-A.
Other names: short protein forms S165L.
Identifiers: ClinVar variation 1702636 (VCV001702636.2), dbSNP rs1404298787, ClinGen allele CA412024878.
Genomic context (GRCh38, chrX:8,597,081, plus strand): 5'-TGCTGCCCCTTACCTTTGTACAGAGTCTTGGGTACTTGACAGGTGTGTCCACACCCATTC[G>A]AACAACATTTCTTCACCCCAGAGCACTCATTGTCAACTTCGCAGCTTTCAACACAGGCGG-3'
Protein context (NP_000207.2, residues 155-175): NECSGVKKCC[Ser165Leu]NGCGHTCQVP